The following is an entry in ClinVar:

ClinVar aggregate classification (germline): Uncertain significance (1 of 4 stars; one submission).

Conditions:
Hereditary cancer-predisposing syndrome. Also called: Hereditary Cancer Syndrome; Tumor predisposition; Hereditary neoplastic syndrome; Neoplastic Syndromes, Hereditary. Identifiers: Orphanet 140162, MedGen C0027672, MeSH D009386, MONDO:0015356.

Submission:

Labcorp Genetics (formerly Invitae), Labcorp
Classification: Uncertain significance for Hereditary cancer-predisposing syndrome. Last evaluated: 2020-01-14. Review status: criteria provided, single submitter. Criteria: Invitae Variant Classification Sherloc (09022015). Collection method: clinical testing. Allele origin: germline.
Comment: This sequence change replaces histidine with proline at codon 1312 of the RAD50 protein (p.His1312Pro). The histidine residue is moderately conserved and there is a moderate physicochemical difference between histidine and proline. This variant is not present in population databases (ExAC no frequency). In summary, the available evidence is currently insufficient to determine the role of this variant in disease. Therefore, it has been classified as a Variant of Uncertain Significance. Algorithms developed to predict the effect of missense changes on protein structure and function are either unavailable or do not agree on the potential impact of this missense change (SIFT: "Tolerated"; PolyPhen-2: "Probably Damaging"; Align-GVGD: "Class C0"). This variant has not been reported in the literature in individuals with RAD50-related conditions.

NM_005732.4(RAD50):c.3935A>C (p.His1312Pro)

Genes: TH2LCRR (T helper type 2 locus control region associated RNA; minus strand), RAD50 (RAD50 double strand break repair protein; plus strand). Cytogenetic location: 5q31.1.
Variant type: single nucleotide variant.
Coding change: c.3935A>C on transcript NM_005732.4 (MANE Select); coding-DNA position 3935, A replaced by C.
Protein change: p.His1312Pro; replaces histidine 1312 with proline.
Molecular consequence: missense variant.
Genome position (GRCh38, 1-based): chr5:132,642,360, A>C. VCF-style: chr5-132642360-A-C. GRCh37 (hg19) VCF-style: chr5-131978052-A-C.
Other names: short protein forms H1312P.
Identifiers: ClinVar variation 1042187 (VCV001042187.9), dbSNP rs758732036, ClinGen allele CA360937761.